The following is an entry in ClinVar:

NM_001190787.3(MCIDAS):c.638A>G (p.Glu213Gly)

Gene: MCIDAS (multiciliate differentiation and DNA synthesis associated cell cycle protein; minus strand). Cytogenetic location: 5q11.2.
Variant type: single nucleotide variant.
Coding change: c.638A>G on transcript NM_001190787.3 (MANE Select); coding-DNA position 638, A replaced by G.
Protein change: p.Glu213Gly; replaces glutamic acid 213 with glycine.
Molecular consequence: missense variant.
Genome position (GRCh38, 1-based): chr5:55,221,095, T>C on the plus strand (A>G on the coding strand, the complement: MCIDAS is on the minus strand). VCF-style: chr5-55221095-T-C. GRCh37 (hg19) VCF-style: chr5-54516923-T-C.
Other names: short protein forms E213G.
Identifiers: ClinVar variation 238620 (VCV000238620.10), dbSNP rs878854270, ClinGen allele CA10582434.

ClinVar aggregate classification (germline): Uncertain significance (1 of 4 stars; one submission).

Conditions:
Primary ciliary dyskinesia. Also called: Ciliary dyskinesia. Identifiers: Orphanet 244, MedGen C0008780, MONDO:0016575, HP:0012265.

Submission:

Labcorp Genetics (formerly Invitae), Labcorp
Classification: Uncertain significance for Primary ciliary dyskinesia. Last evaluated: 2018-08-29. Review status: criteria provided, single submitter. Criteria: Invitae Variant Classification Sherloc (09022015). Collection method: clinical testing. Allele origin: germline.
Comment: This variant has not been reported in the literature in individuals with MCIDAS-related disease. ClinVar contains an entry for this variant (Variation ID: 238620). In summary, the available evidence is currently insufficient to determine the role of this variant in disease. Therefore, it has been classified as a Variant of Uncertain Significance. Algorithms developed to predict the effect of missense changes on protein structure and function (SIFT, PolyPhen-2, Align-GVGD) all suggest that this variant is likely to be disruptive, but these predictions have not been confirmed by published functional studies and their clinical significance is uncertain. This variant is not present in population databases (ExAC no frequency). This sequence change replaces glutamic acid with glycine at codon 213 of the MCIDAS protein (p.Glu213Gly). The glutamic acid residue is highly conserved and there is a moderate physicochemical difference between glutamic acid and glycine.